The following is an entry in ClinVar:

ClinVar aggregate classification (germline): Likely pathogenic (1 of 4 stars; one submission).

Allele frequency attached by ClinVar (database versions not stated): gnomAD exomes below 0.00001; gnomAD 0.00001; TOPMed 0.00001.
gnomAD v4.1: 7 of 1,613,936 alleles (0.00043%); highest among the groups gnomAD compares: Middle Eastern, 0.016%; no homozygotes.

Submission:

Labcorp Genetics (formerly Invitae), Labcorp
Classification: Likely pathogenic. Last evaluated: 2024-03-11. Review status: criteria provided, single submitter. Criteria: Invitae Variant Classification Sherloc (09022015). Collection method: clinical testing. Allele origin: germline.
Comment: This sequence change affects a donor splice site in intron 25 of the MYO5B gene. It is expected to disrupt RNA splicing. Variants that disrupt the donor or acceptor splice site typically lead to a loss of protein function (PMID: 16199547), and loss-of-function variants in MYO5B are known to be pathogenic (PMID: 18724368, 20186687). This variant is present in population databases (no rsID available, gnomAD 0.003%). This variant has not been reported in the literature in individuals affected with MYO5B-related conditions. ClinVar contains an entry for this variant (Variation ID: 1512169). Algorithms developed to predict the effect of sequence changes on RNA splicing suggest that this variant may disrupt the consensus splice site. In summary, the currently available evidence indicates that the variant is pathogenic, but additional data are needed to prove that conclusively. Therefore, this variant has been classified as Likely Pathogenic.

Literature cited by the submitters: PubMed 16199547; PubMed 18724368; PubMed 20186687.

NM_001080467.3(MYO5B):c.3396+1G>A

Gene: MYO5B (myosin VB; minus strand). Cytogenetic location: 18q21.1.
Variant type: single nucleotide variant.
Coding change: c.3396+1G>A on transcript NM_001080467.3 (MANE Select); the canonical splice donor site of the intron after coding-DNA position 3396, G replaced by A.
Molecular consequence: splice donor variant.
Genome position (GRCh38, 1-based): chr18:49,877,762, C>T on the plus strand (G>A on the coding strand, the complement: MYO5B is on the minus strand). VCF-style: chr18-49877762-C-T. GRCh37 (hg19) VCF-style: chr18-47404132-C-T.
Identifiers: ClinVar variation 1512169 (VCV001512169.6), dbSNP rs1325368359, ClinGen allele CA402428393.
Genomic context (GRCh38, chr18:49,877,762, plus strand): 5'-ACAGAAAAAAACACACACTCCCTCTGGAGGAGGACAGTACCCAAGAGCCTGCATCACTCA[C>T]CTCCACCTGCTGGAGGGCATCCTCAGTGTCTCCGATCTCAGATGTGGAGATGGAGGGGTA-3'